The following is an entry in ClinVar:

NM_001012720.2(RGR):c.754C>T (p.Leu252Phe)

Gene: RGR (retinal G protein coupled receptor; plus strand). Cytogenetic location: 10q23.1.
Variant type: single nucleotide variant.
Coding change: c.754C>T on transcript NM_001012720.2 (MANE Select); coding-DNA position 754, C replaced by T.
Protein change: p.Leu252Phe; replaces leucine 252 with phenylalanine.
Molecular consequence: missense variant.
Genome position (GRCh38, 1-based): chr10:84,258,517, C>T. VCF-style: chr10-84258517-C-T. GRCh37 (hg19) VCF-style: chr10-86018273-C-T.
Other names: c.640C>T, p.Leu214Phe (NM_001012722.2); c.766C>T, p.Leu256Phe (NM_002921.4); short protein forms L214F, L252F, L256F.
Identifiers: ClinVar variation 1004016 (VCV001004016.11), dbSNP rs146060475, ClinGen allele CA5581583.
Genomic context (GRCh38, chr10:84,258,517, plus strand): 5'-AGAGGATCAGTGGCTTTGAAGCTTCTTTTCTGGACTTTTCTGCCACAACAGGTGCCCGCC[C>T]TCATTGCCAAAATGGTGCCCACGATCAATGCCATCAACTATGCCCTGGGCAATGAGATGG-3'
Protein context (NP_001012738.1, residues 242-262): ISPKLQMVPA[Leu252Phe]IAKMVPTINA

ClinVar aggregate classification (germline): Uncertain significance. Review status: criteria provided, multiple submitters, no conflicts (2 of 4 stars). 2 submissions from 2 submitters: Uncertain significance (2). Last evaluated 2024-09-08.

Allele frequency attached by ClinVar (database versions not stated): gnomAD exomes below 0.00001; ExAC 0.00001; ESP Exome Variant Server 0.00008.
gnomAD v4.1: 1 of 1,614,212 alleles (0.000062%); highest among the groups gnomAD compares: African/African-American, 0.0013%; no homozygotes.

Submissions (2):

Labcorp Genetics (formerly Invitae), Labcorp
Classification: Uncertain significance. Last evaluated: 2024-09-08. Review status: criteria provided, single submitter. Criteria: Invitae Variant Classification Sherloc (09022015). Collection method: clinical testing. Allele origin: germline.
Comment: This sequence change replaces leucine, which is neutral and non-polar, with phenylalanine, which is neutral and non-polar, at codon 252 of the RGR protein (p.Leu252Phe). This variant is present in population databases (rs146060475, gnomAD 0.007%). This variant has not been reported in the literature in individuals affected with RGR-related conditions. ClinVar contains an entry for this variant (Variation ID: 1004016). Experimental studies and prediction algorithms are not available or were not evaluated, and the functional significance of this variant is currently unknown. In summary, the available evidence is currently insufficient to determine the role of this variant in disease. Therefore, it has been classified as a Variant of Uncertain Significance.

Blueprint Genetics
Classification: Uncertain significance. Last evaluated: 2019-07-09. Review status: criteria provided, single submitter. Criteria: ACMG Guidelines, 2015. Collection method: clinical testing. Allele origin: germline.